The following is an entry in ClinVar:

ClinVar aggregate classification (germline): Uncertain significance (1 of 4 stars; one submission).

Allele frequency attached by ClinVar (database versions not stated): ExAC 0.00001.

Submission:

Labcorp Genetics (formerly Invitae), Labcorp
Classification: Uncertain significance. Last evaluated: 2022-07-11. Review status: criteria provided, single submitter. Criteria: Invitae Variant Classification Sherloc (09022015). Collection method: clinical testing. Allele origin: germline.
Comment: In summary, the available evidence is currently insufficient to determine the role of this variant in disease. Therefore, it has been classified as a Variant of Uncertain Significance. Algorithms developed to predict the effect of missense changes on protein structure and function are either unavailable or do not agree on the potential impact of this missense change (SIFT: "Deleterious"; PolyPhen-2: "Benign"; Align-GVGD: "Class C0"). This missense change has been observed in individual(s) with retinitis pigmentosa (PMID: 24938718, 31054281). This variant is not present in population databases (gnomAD no frequency). This sequence change replaces threonine, which is neutral and polar, with proline, which is neutral and non-polar, at codon 3635 of the USH2A protein (p.Thr3635Pro).

Literature cited by the submitters: PubMed 24938718; PubMed 31054281.

NM_206933.4(USH2A):c.10903A>C (p.Thr3635Pro)

Gene: USH2A (usherin; minus strand). Cytogenetic location: 1q41.
Variant type: single nucleotide variant.
Coding change: c.10903A>C on transcript NM_206933.4 (MANE Select); coding-DNA position 10903, A replaced by C.
Protein change: p.Thr3635Pro; replaces threonine 3635 with proline.
Molecular consequence: missense variant.
Genome position (GRCh38, 1-based): chr1:215,779,879, T>G on the plus strand (A>C on the coding strand, the complement: USH2A is on the minus strand). VCF-style: chr1-215779879-T-G. GRCh37 (hg19) VCF-style: chr1-215953221-T-G.
Other names: short protein forms T3635P.
Identifiers: ClinVar variation 2202946 (VCV002202946.4), dbSNP rs752980819, ClinGen allele CA1393896.